The following is an entry in ClinVar:

ClinVar aggregate classification (germline): Uncertain significance (1 of 4 stars; one submission).

Conditions:
Leigh syndrome (NULS). Also called: Leigh's necrotizing encephalopathy; Leigh's disease; Leigh Syndrome (mtDNA deletion); Leigh Disease; Subacute necrotizing encephalopathy; Necrotizing encephalopathy infantile subacute of Leigh. Identifiers: Orphanet 506, MedGen C2931891, MONDO:0009723, OMIM 256000.

Submission:

Wong Mito Lab, Molecular and Human Genetics, Baylor College of Medicine
Classification: Uncertain significance for Leigh syndrome. Last evaluated: 2019-10-17. Review status: criteria provided, single submitter. Criteria: Modified ACMG Guidelines (Unpublished). Collection method: clinical testing. Allele origin: germline.
Comment: The NC_012920.1:m.4948T>C (YP_003024027.1:p.Leu160Ser) variant in MTND2 gene is interpretated to be a Uncertain Significance variant based on the modified ACMG guidelines (unpublished). This variant meets the following evidence codes: no criteria

NC_012920.1(MT-ND2):m.4948T>C

Gene: MT-ND2 (mitochondrially encoded NADH dehydrogenase 2; plus strand).
Variant type: single nucleotide variant.
Genome position: chrM-4948-T-C.
Identifiers: ClinVar variation 692526 (VCV000692526.1), dbSNP rs1603219686, ClinGen allele CA414778206.